The following is an entry in ClinVar:

NM_022893.4(BCL11A):c.502dup (p.Ser168fs)

Gene: BCL11A (BCL11 transcription factor A; minus strand). Cytogenetic location: 2p16.1.
Variant type: Duplication.
Coding change: c.502dup on transcript NM_022893.4 (MANE Select); coding-DNA position 502, one base duplicated (A; older notation c.502dupA).
Protein change: p.Ser168fs; shifts the reading frame from serine 168.
Molecular consequence: frameshift variant.
Genome position (GRCh38, 1-based): chr2:60,462,410, T duplicated on the plus strand (A on the coding strand, the reverse complement: BCL11A is on the minus strand). VCF-style (leftmost placement, unchanged base first): chr2-60462409-C-CT. GRCh37 (hg19) VCF-style: chr2-60689544-C-CT.
Other names: c.400dup, p.Ser134fs (NM_001363864.1, NM_001365609.1); c.502dup, p.Ser168fs (NM_018014.4, NM_138559.2); short protein forms S168fs, S134fs.
Identifiers: ClinVar variation 422969 (VCV000422969.2), dbSNP rs1553403745, ClinGen allele CA16617746.

ClinVar aggregate classification (germline): Likely pathogenic (1 of 4 stars; one submission).

Submission:

GeneDx
Classification: Likely pathogenic. Last evaluated: 2017-01-10. Review status: criteria provided, single submitter. Criteria: GeneDx Variant Classification (06012015). Collection method: clinical testing. Allele origin: germline. Affected: yes.
Comment: A novel variant that is likely pathogenic has been identified in the BCL11A gene. The c.503dupA variant has not been published as a pathogenic variant, nor has it been reported as a benign variant to our knowledge. It is not observed in large population cohorts (Lek et al., 2016; 1000 Genomes Consortium et al., 2015; Exome Variant Server). The c.503dupA variant causes a frameshift starting with codon Serine 168, changes this amino acid to a Lysine residue and creates a premature Stop codon at position 69 of the new reading frame, denoted p.Ser168LysfsX69. This variant is predicted to cause loss of normal protein function through protein truncation, as the last 668 amino acids are replaced with 68 incorrect ones. Therefore, the c.503dupA variant is likely pathogenic; however, the possibility that it is benign cannot be excluded.